The following is an entry in ClinVar:

NM_000257.4(MYH7):c.1971G>T (p.Lys657Asn)

Gene: MYH7 (myosin heavy chain 7; minus strand). Cytogenetic location: 14q11.2.
Variant type: single nucleotide variant.
Coding change: c.1971G>T on transcript NM_000257.4 (MANE Select); coding-DNA position 1971, G replaced by T.
Protein change: p.Lys657Asn; replaces lysine 657 with asparagine.
Molecular consequence: missense variant.
Genome position (GRCh38, 1-based): chr14:23,426,850, C>A on the plus strand (G>T on the coding strand, the complement: MYH7 is on the minus strand). VCF-style: chr14-23426850-C-A. GRCh37 (hg19) VCF-style: chr14-23896059-C-A.
Other names: short protein forms K657N.
Identifiers: ClinVar variation 1345951 (VCV001345951.9), dbSNP rs760736597, ClinGen allele CA030524.
Genomic context (GRCh38, chr14:23,426,850, plus strand): 5'-CTCATTAGGGATGATACAACGTACAAAGTGGGGATGGGTGGAGCGCAAGTTGGTCATCAG[C>A]TTGTTCAGATTTTCCTGTGGCCAAAAATGCAATAGAGAAAAGTAAAGAAAATGCCAGAAA-3'
Protein context (NP_000248.2, residues 647-667): VSALHRENLN[Lys657Asn]LMTNLRSTHP

ClinVar aggregate classification (germline): Uncertain significance. Review status: criteria provided, multiple submitters, no conflicts (2 of 4 stars). 2 submissions from 2 submitters: Uncertain significance (2). Last evaluated 2024-02-24.

Conditions:
Hypertrophic cardiomyopathy. Also called: HYPERTROPHIC MYOCARDIOPATHY. Identifiers: Orphanet 217569, MedGen C0007194, MeSH D002312, MONDO:0005045, HP:0001639.

Allele frequency attached by ClinVar (database versions not stated): ExAC 0.00001.

Submissions (2):

Labcorp Genetics (formerly Invitae), Labcorp
Classification: Uncertain significance for Hypertrophic cardiomyopathy. Last evaluated: 2024-02-24. Review status: criteria provided, single submitter. Criteria: Invitae Variant Classification Sherloc (09022015). Collection method: clinical testing. Allele origin: germline.
Comment: This sequence change replaces lysine, which is basic and polar, with asparagine, which is neutral and polar, at codon 657 of the MYH7 protein (p.Lys657Asn). This variant is not present in population databases (gnomAD no frequency). This variant has not been reported in the literature in individuals affected with MYH7-related conditions. ClinVar contains an entry for this variant (Variation ID: 1345951). Advanced modeling of protein sequence and biophysical properties (such as structural, functional, and spatial information, amino acid conservation, physicochemical variation, residue mobility, and thermodynamic stability) performed at Invitae indicates that this missense variant is expected to disrupt MYH7 protein function with a positive predictive value of 95%. This variant is found within a region of MYH7 between codons 181 and 937 that contains the majority of the myosin head domain. Missense variants in this region have been shown to be significantly overrepresented in individuals with hypertrophic cardiomyopathy (PMID: 27532257). In summary, the available evidence is currently insufficient to determine the role of this variant in disease. Therefore, it has been classified as a Variant of Uncertain Significance.

Molecular Genetics, Royal Melbourne Hospital
Classification: Uncertain significance for Hypertrophic cardiomyopathy. Last evaluated: 2023-11-05. Review status: criteria provided, single submitter. Criteria: ACMG Guidelines, 2015. Collection method: clinical testing. Allele origin: germline. Inheritance: Autosomal dominant inheritance. Affected: yes.
Comment: This sequence change in MYH7 is predicted to replace lysine with asparagine at codon 657, p.(Lys657Asn). The lysine residue is highly conserved (100 vertebrates, UCSC), and is located in the myosin head domain a region, amino acids 167-931, that is defined as a mutational hotspot. There is a moderate physicochemical difference between lysine and asparagine. This variant is absent from the population database gnomAD v2.1 and v3.1. To our knowledge, this variant has not been previously reported in the relevant scientific literature. Computational evidence is uninformative for the missense substitution (REVEL = 0.542). Another missense variant c.1969A>C, p.(Lys657Gln) with a small physicochemical difference in the same codon has been classified as likely pathogenic for hypertrophic cardiomyopathy (PMID: 26337809, 27532257, ClinVar ID: 164351). Based on the classification scheme RMH Modified ACMG/AMP Guidelines v1.6.1, this variant is classified as a VARIANT OF UNCERTAIN SIGNIFICANCE. Following criteria are met: PM1, PM5, PM2_Supporting.

Literature cited by the submitters: PubMed 27532257 (cited by Labcorp Genetics (formerly Invitae), Labcorp and Molecular Genetics, Royal Melbourne Hospital); PubMed 26337809 (cited by Molecular Genetics, Royal Melbourne Hospital).